The following is an entry in ClinVar:

ClinVar aggregate classification (germline): Benign. Review status: criteria provided, multiple submitters, no conflicts (2 of 4 stars). 2 submissions from 2 submitters: Benign (2). Last evaluated 2018-01-12.

Conditions:
Occult macular dystrophy (OCMD). Also called: OMD; OCCULT MACULAR DYSTROPHY, SUSCEPTIBILITY TO. Identifiers: Orphanet 247834, MedGen C3150833, MONDO:0013316, OMIM 613587, HP:0030636.

Allele frequency attached by ClinVar (database versions not stated): gnomAD 0.12212 and 0.13158; TOPMed 0.12398; gnomAD exomes 0.16146; 1000 Genomes Project 30x 0.17161; 1000 Genomes Project 0.17392.
gnomAD v4.1: 104,022 of 673,978 alleles (15%); highest among the groups gnomAD compares: South Asian, 34%; 9,697 homozygotes.

Submissions (2):

Illumina Laboratory Services, Illumina
Classification: Benign for Occult macular dystrophy. Last evaluated: 2018-01-12. Review status: criteria provided, single submitter. Criteria: ICSL Variant Classification Criteria 13 December 2019. Collection method: clinical testing. Allele origin: germline.
Comment: This variant was observed in the ICSL laboratory as part of a predisposition screen in an ostensibly healthy population. It had not been previously curated by ICSL or reported in the Human Gene Mutation Database (HGMD: prior to June 1st, 2018), and was therefore a candidate for classification through an automated scoring system. Utilizing variant allele frequency, disease prevalence and penetrance estimates, and inheritance mode, an automated score was calculated to assess if this variant is too frequent to cause the disease. Based on the score and internal cut-off values, a variant classified as benign is not then subjected to further curation. The score for this variant resulted in a classification of benign for this disease.

Breakthrough Genomics
Classification: Benign. Review status: criteria provided, single submitter. Criteria: ACMG Guidelines, 2015. Collection method: not provided. Allele origin: germline. Inheritance: Autosomal recessive inheritance. Affected: yes.

NM_178857.6(RP1L1):c.*226G>C

Gene: RP1L1 (RP1 like 1). Cytogenetic location: 8p23.1.
Variant type: single nucleotide variant.
Coding change: c.*226G>C on transcript NM_178857.6 (MANE Select); 226 bases downstream of the stop codon, G replaced by C.
Molecular consequence: 3 prime UTR variant.
Genome position (GRCh38, 1-based): chr8:10,606,669, C>G on the plus strand (G>C on the coding strand, the complement: RP1L1 is on the minus strand). VCF-style: chr8-10606669-C-G. GRCh37 (hg19) VCF-style: chr8-10464179-C-G.
Identifiers: ClinVar variation 361196 (VCV000361196.6), dbSNP rs12547192, ClinGen allele CA10626710.